The following is an entry in ClinVar:

NM_181458.4(PAX3):c.709G>C (p.Ala237Pro)

Gene: PAX3 (paired box 3; minus strand). Cytogenetic location: 2q36.1.
Variant type: single nucleotide variant.
Coding change: c.709G>C on transcript NM_181458.4 (MANE Select); coding-DNA position 709, G replaced by C.
Protein change: p.Ala237Pro; replaces alanine 237 with proline.
Molecular consequence: missense variant.
Genome position (GRCh38, 1-based): chr2:222,232,161, C>G on the plus strand (G>C on the coding strand, the complement: PAX3 is on the minus strand). VCF-style: chr2-222232161-C-G. GRCh37 (hg19) VCF-style: chr2-223096880-C-G.
Other names: c.706G>C, p.Ala236Pro (NM_001127366.3); c.709G>C, p.Ala237Pro (NM_181457.4, NM_181459.4, NM_181460.4 and 1 more transcripts); short protein forms A236P, A237P.
Identifiers: ClinVar variation 3382692 (VCV003382692.2).

ClinVar aggregate classification (germline): Uncertain significance (1 of 4 stars; one submission).

Conditions:
Craniofacial-deafness-hand syndrome (CDHS). Identifiers: Orphanet 1529, MedGen C1852510, MONDO:0007395, OMIM 122880.
Waardenburg syndrome type 3 (WS3). Also called: KLEIN-WAARDENBURG SYNDROME; WAARDENBURG SYNDROME WITH UPPER LIMB ANOMALIES; Klein-Waardenberg's syndrome. Identifiers: Orphanet 3440, Orphanet 896, MedGen C0079661, MONDO:0007862, OMIM 148820.
Alveolar rhabdomyosarcoma (RMS2). Also called: RHABDOMYOSARCOMA 2; Alveolar rhabdomyosarcoma (disease). Identifiers: Orphanet 780, Orphanet 99756, MedGen C0206655, MONDO:0009994, OMIM 268220, HP:0006779.
Waardenburg syndrome type 1 (WS1). Also called: WAARDENBURG SYNDROME WITH DYSTOPIA CANTHORUM; Waardenburg Syndrome Type I. Identifiers: Orphanet 894, MedGen C1847800, MONDO:0008670, OMIM 193500.

Submission:

Juno Genomics, Hangzhou Juno Genomics, Inc
Classification: Uncertain significance for Craniofacial-deafness-hand syndrome; Alveolar rhabdomyosarcoma; Waardenburg syndrome type 1; Waardenburg syndrome type 3. Review status: criteria provided, single submitter. Criteria: ACMG Guidelines, 2015. Collection method: clinical testing. Allele origin: germline. Affected: yes.
Comment: Absent from controls (or at extremely low frequency if recessive) in Genome Aggregation Database, Exome Sequencing Project, 1000 Genomes Project, or Exome Aggregation Consortium.;Multiple lines of computational evidence support a deleterious effect on the gene or gene product (conservation, evolutionary, splicing impact, etc).;Patient's phenotype or family history is highly specific for a disease with a single genetic etiology.